The following is an entry in ClinVar:

ClinVar aggregate classification (germline): Uncertain significance (1 of 4 stars; one submission).

Conditions:
Hereditary cancer-predisposing syndrome. Also called: Neoplastic Syndromes, Hereditary; Tumor predisposition; Hereditary neoplastic syndrome; Hereditary Cancer Syndrome. Identifiers: Orphanet 140162, MedGen C0027672, MeSH D009386, MONDO:0015356.

Submission:

Ambry Genetics
Classification: Uncertain significance for Hereditary cancer-predisposing syndrome. Last evaluated: 2024-01-11. Review status: criteria provided, single submitter. Criteria: Ambry Variant Classification Scheme 2023. Collection method: clinical testing. Allele origin: germline.
Comment: The c.1390_1391delGCinsTG variant, located in coding exon 8 of the DICER1 gene, results from an in-frame deletion of GC and insertion of TG at nucleotide positions 1390 to 1391. This results in the substitution of the alanine residue for a cysteine residue at codon 464, an amino acid with highly dissimilar properties. This amino acid position is highly conserved in available vertebrate species. In addition, this alteration is predicted to be neutral by in silico analysis (Choi Y et al. PLoS ONE. 2012; 7(10):e46688). Since supporting evidence is limited at this time, the clinical significance of this alteration remains unclear.

NM_177438.3(DICER1):c.1390_1391delinsTG (p.Ala464Cys)

Gene: DICER1 (dicer 1, ribonuclease III; minus strand). Cytogenetic location: 14q32.13.
Variant type: Indel.
Coding change: c.1390_1391delinsTG on transcript NM_177438.3 (MANE Select); coding-DNA positions 1390 to 1391, GC replaced by TG.
Protein change: p.Ala464Cys; replaces alanine 464 with cysteine.
Molecular consequence: missense variant. On other transcripts: 5 prime UTR variant (1), non-coding transcript variant (6).
Genome position (GRCh38, 1-based): chr14:95,117,740-95,117,741, GC replaced by CA on the plus strand (GC replaced by TG on the coding strand, the reverse complement: DICER1 is on the minus strand). VCF-style: chr14-95117740-GC-CA. GRCh37 (hg19) VCF-style: chr14-95584077-GC-CA.
Other names: c.1390_1391delinsTG, p.Ala464Cys (NM_001195573.1, NM_001271282.3, NM_001291628.2 and 12 more transcripts); c.1390_1391delGCinsTG, p.Ala464Cys (NM_001395681.1); c.1108_1109delinsTG, p.Ala370Cys (NM_001395686.1); c.985_986delinsTG, p.Ala329Cys (NM_001395687.1, NM_001395688.1, NM_001395689.1 and 3 more transcripts); c.823_824delinsTG, p.Ala275Cys (NM_001395691.1); c.-179_-178delinsTG (NM_001395697.1); short protein forms A275C, A329C, A370C, A464C.
Identifiers: ClinVar variation 3229308 (VCV003229308.1), dbSNP rs2543064097, ClinGen allele CA2825002256.